The following is an entry in ClinVar:

ClinVar aggregate classification (germline): Uncertain significance (1 of 4 stars; one submission).

Conditions:
Ornithine carbamoyltransferase deficiency (OTCD). Also called: ORNITHINE TRANSCARBAMYLASE DEFICIENCY; Ornithine Carbamoyltransferase Deficiency Disease; OTC DEFICIENCY; ORNITHINE TRANSCARBAMYLASE DEFICIENCY, HYPERAMMONEMIA DUE TO. Identifiers: Orphanet 664, MedGen C0268542, MONDO:0010703, OMIM 311250.

Allele frequency attached by ClinVar (database versions not stated): ExAC 0.00010.

Submissions (2):

Labcorp Genetics (formerly Invitae), Labcorp
Classification: Uncertain significance for Ornithine carbamoyltransferase deficiency. Last evaluated: 2019-07-12. Review status: criteria provided, single submitter. Criteria: Invitae Variant Classification Sherloc (09022015). Collection method: clinical testing. Allele origin: germline.
Comment: In summary, the available evidence is currently insufficient to determine the role of this variant in disease. Therefore, it has been classified as a Variant of Uncertain Significance. This variant disrupts the p.Val142 amino acid residue in OTC. Other variant(s) that disrupt this residue have been observed in individuals with OTC-related conditions (PMID: 11793468), which suggests that this may be a clinically significant amino acid residue. Algorithms developed to predict the effect of missense changes on protein structure and function (SIFT, PolyPhen-2, Align-GVGD) all suggest that this variant is likely to be disruptive, but these predictions have not been confirmed by published functional studies and their clinical significance is uncertain. This variant has been observed in an individual affected with OTC deficiency (PMID: Invitae). The frequency data for this variant in the population databases is considered unreliable, as metrics indicate poor data quality at this position in the ExAC database. This sequence change replaces valine with glycine at codon 142 of the OTC protein (p.Val142Gly). The valine residue is highly conserved and there is a moderate physicochemical difference between valine and glycine.

Dr. Peter K. Rogan Lab, Western University
No classification provided (evidence only). Condition: Nonpapillary renal cell carcinoma. Review status: no classification provided. Collection method: in vitro. Allele origin: not applicable. Functional consequence: retained intron. Not counted in ClinVar's aggregate classification.

Literature cited by the submitters: PubMed 11793468 (cited by Labcorp Genetics (formerly Invitae), Labcorp).

NM_000531.6(OTC):c.425T>G (p.Val142Gly)

Gene: OTC (ornithine transcarbamylase; plus strand). Cytogenetic location: Xp11.4.
Variant type: single nucleotide variant.
Coding change: c.425T>G on transcript NM_000531.6 (MANE Select); coding-DNA position 425, T replaced by G.
Protein change: p.Val142Gly; replaces valine 142 with glycine.
Molecular consequence: missense variant.
Genome position (GRCh38, 1-based): chrX:38,401,313, T>G. VCF-style: chrX-38401313-T-G. GRCh37 (hg19) VCF-style: chrX-38260566-T-G.
Other names: short protein forms V142G.
Identifiers: ClinVar variation 933835 (VCV000933835.11), dbSNP rs72556261, ClinGen allele CA10385868.